The following is an entry in ClinVar:

NM_024422.6(DSC2):c.1402G>A (p.Gly468Ser)

Gene: DSC2 (desmocollin 2; minus strand). Cytogenetic location: 18q12.1.
Variant type: single nucleotide variant.
Coding change: c.1402G>A on transcript NM_024422.6 (MANE Select); coding-DNA position 1402, G replaced by A.
Protein change: p.Gly468Ser; replaces glycine 468 with serine.
Molecular consequence: missense variant.
Genome position (GRCh38, 1-based): chr18:31,080,214, C>T on the plus strand (G>A on the coding strand, the complement: DSC2 is on the minus strand). VCF-style: chr18-31080214-C-T. GRCh37 (hg19) VCF-style: chr18-28660180-C-T.
Other names: c.1402G>A, p.Gly468Ser (NM_004949.5); short protein forms G468S.
Identifiers: ClinVar variation 1054690 (VCV001054690.11), dbSNP rs149316362, ClinGen allele CA031247.

ClinVar aggregate classification (germline): Uncertain significance. Review status: criteria provided, multiple submitters, no conflicts (2 of 4 stars). 3 submissions from 3 submitters: Uncertain significance (3). Last evaluated 2025-12-12.

Conditions:
Cardiomyopathy (CMYO). Also called: Cardiomyopathies. Identifiers: Orphanet 167848, MedGen C0878544, MONDO:0004994, HP:0001638. Inheritance: Various modes of inheritance.
Cardiovascular phenotype. Identifiers: MedGen CN230736.
Arrhythmogenic right ventricular dysplasia 11. Also called: Arrhythmogenic Right Ventricular Dysplasia/Cardiomyopathy11; ARRHYTHMOGENIC RIGHT VENTRICULAR DYSPLASIA, FAMILIAL, 11; Arrhythmogenic right ventricular dysplasia 11 with mild palmoplantar keratoderma and woolly hair. Identifiers: MedGen C1864850, MONDO:0012506, OMIM 610476.

Allele frequency attached by ClinVar (database versions not stated): ESP Exome Variant Server 0.00015; gnomAD exomes below 0.00001; ExAC 0.00002; TOPMed 0.00002; gnomAD 0.00001.
gnomAD v4.1: 2 of 1,613,934 alleles (0.00012%); highest among the groups gnomAD compares: African/African-American, 0.0027%; no homozygotes.

Submissions (3):

Labcorp Genetics (formerly Invitae), Labcorp
Classification: Uncertain significance for Arrhythmogenic right ventricular dysplasia 11. Last evaluated: 2025-12-12. Review status: criteria provided, single submitter. Criteria: Invitae Variant Classification Sherloc (09022015). Collection method: clinical testing. Allele origin: germline.
Comment: This sequence change replaces glycine, which is neutral and non-polar, with serine, which is neutral and polar, at codon 468 of the DSC2 protein (p.Gly468Ser). This variant is present in population databases (rs149316362, gnomAD 0.01%). This variant has not been reported in the literature in individuals affected with DSC2-related conditions. ClinVar contains an entry for this variant (Variation ID: 1054690). Invitae Evidence Modeling of protein sequence and biophysical properties (such as structural, functional, and spatial information, amino acid conservation, physicochemical variation, residue mobility, and thermodynamic stability) indicates that this missense variant is expected to disrupt DSC2 protein function with a positive predictive value of 80%. In summary, the available evidence is currently insufficient to determine the role of this variant in disease. Therefore, it has been classified as a Variant of Uncertain Significance.

Color Diagnostics, LLC DBA Color Health
Classification: Uncertain significance for Cardiomyopathy. Last evaluated: 2025-10-20. Review status: criteria provided, single submitter. Criteria: ACMG Guidelines, 2015. Collection method: clinical testing. Allele origin: germline.
Comment: This missense variant replaces glycine with serine at codon 468 of the DSC2 protein. Computational prediction suggests that this variant may not impact protein structure and function. To our knowledge, functional studies have not been reported for this variant. This variant has not been reported in individuals affected with DSC2-related disorders in the literature. This variant has been identified in 2/282512 chromosomes in the general population by the Genome Aggregation Database (gnomAD). The available evidence is insufficient to determine the role of this variant in disease conclusively. Therefore, this variant is classified as a Variant of Uncertain Significance.

Ambry Genetics
Classification: Uncertain significance for Cardiovascular phenotype. Last evaluated: 2021-07-08. Review status: criteria provided, single submitter. Criteria: Ambry Variant Classification Scheme 2023. Collection method: clinical testing. Allele origin: germline.
Comment: The p.G468S variant (also known as c.1402G>A), located in coding exon 10 of the DSC2 gene, results from a G to A substitution at nucleotide position 1402. The glycine at codon 468 is replaced by serine, an amino acid with similar properties. This amino acid position is conserved. In addition, the in silico prediction for this alteration is inconclusive. Since supporting evidence is limited at this time, the clinical significance of this alteration remains unclear.